The following is an entry in ClinVar:

NM_033453.4(ITPA):c.296-2A>C

Gene: ITPA (inosine triphosphatase; plus strand). Cytogenetic location: 20p13.
Variant type: single nucleotide variant.
Coding change: c.296-2A>C on transcript NM_033453.4 (MANE Select); the canonical splice acceptor site of the intron before coding-DNA position 296, A replaced by C.
Molecular consequence: splice acceptor variant.
Genome position (GRCh38, 1-based): chr20:3,218,515, A>C. VCF-style: chr20-3218515-A-C. GRCh37 (hg19) VCF-style: chr20-3199161-A-C.
Other names: c.-42-2A>C (NM_001324237.2, NM_001324238.2, NM_001324236.2 and 1 more transcripts); c.296-2A>C (NM_001324240.2); c.173-2A>C (NM_001267623.2); c.245-2A>C (NM_181493.4).
Identifiers: ClinVar variation 2069676 (VCV002069676.4), dbSNP rs2514458622, ClinGen allele CA408079777.
Genomic context (GRCh38, chr20:3,218,515, plus strand): 5'-TTGGGAGTGGGGGTGGGAGTTGGCCATTAGGGATGCACTGAGCCCTCACTGCCCACCCGC[A>C]GGTCTCCACCAGCTCCTGGCCGGGTTCGAGGACAAGTCAGCCTATGCGCTCTGCACGTTT-3'

ClinVar aggregate classification (germline): Likely pathogenic (1 of 4 stars; one submission).

Conditions:
Inosine triphosphatase deficiency. Also called: INOSINE TRIPHOSPHATE PYROPHOSPHOHYDROLASE DEFICIENCY. Identifiers: MedGen C0342800, MONDO:0013461, OMIM 613850.

Submission:

Labcorp Genetics (formerly Invitae), Labcorp
Classification: Likely pathogenic for Inosine triphosphatase deficiency. Last evaluated: 2022-01-02. Review status: criteria provided, single submitter. Criteria: Invitae Variant Classification Sherloc (09022015). Collection method: clinical testing. Allele origin: germline.
Comment: In summary, the currently available evidence indicates that the variant is pathogenic, but additional data are needed to prove that conclusively. Therefore, this variant has been classified as Likely Pathogenic. Algorithms developed to predict the effect of sequence changes on RNA splicing suggest that this variant may disrupt the consensus splice site. This variant has not been reported in the literature in individuals affected with ITPA-related conditions. This variant is not present in population databases (gnomAD no frequency). This sequence change affects an acceptor splice site in intron 5 of the ITPA gene. It is expected to disrupt RNA splicing. Variants that disrupt the donor or acceptor splice site typically lead to a loss of protein function (PMID: 16199547), and loss-of-function variants in ITPA are known to be pathogenic (PMID: 26224535).

Literature cited by the submitters: PubMed 16199547; PubMed 26224535.